The following is an entry in ClinVar:

ClinVar aggregate classification (germline): Uncertain significance (1 of 4 stars; one submission).

Allele frequency attached by ClinVar (database versions not stated): gnomAD exomes 0.00006; TOPMed 0.00003; ExAC 0.00006; gnomAD 0.00003.
gnomAD v4.1: 83 of 1,603,646 alleles (0.0052%); highest among the groups gnomAD compares: South Asian, 0.018%; no homozygotes.

Submission:

Labcorp Genetics (formerly Invitae), Labcorp
Classification: Uncertain significance. Last evaluated: 2024-10-30. Review status: criteria provided, single submitter. Criteria: Invitae Variant Classification Sherloc (09022015). Collection method: clinical testing. Allele origin: germline.
Comment: This sequence change replaces glycine, which is neutral and non-polar, with serine, which is neutral and polar, at codon 931 of the COL18A1 protein (p.Gly931Ser). This variant is present in population databases (rs746414569, gnomAD 0.01%). This variant has not been reported in the literature in individuals affected with COL18A1-related conditions. ClinVar contains an entry for this variant (Variation ID: 2073651). Experimental studies and prediction algorithms are not available or were not evaluated, and the functional significance of this variant is currently unknown. In summary, the available evidence is currently insufficient to determine the role of this variant in disease. Therefore, it has been classified as a Variant of Uncertain Significance.

NM_001379500.1(COL18A1):c.2791G>A (p.Gly931Ser)

Genes: COL18A1 (collagen type XVIII alpha 1 chain; plus strand), SLC19A1 (solute carrier family 19 member 1; minus strand). Cytogenetic location: 21q22.3.
Variant type: single nucleotide variant.
Coding change: c.2791G>A on transcript NM_001379500.1 (MANE Select); coding-DNA position 2791, G replaced by A.
Protein change: p.Gly931Ser; replaces glycine 931 with serine.
Molecular consequence: missense variant.
Genome position (GRCh38, 1-based): chr21:45,504,479, G>A. VCF-style: chr21-45504479-G-A. GRCh37 (hg19) VCF-style: chr21-46924393-G-A.
Other names: c.3331G>A, p.Gly1111Ser (NM_030582.4); c.4036G>A, p.Gly1346Ser (NM_130444.3); short protein forms G1346S, G1111S, G931S.
Identifiers: ClinVar variation 2073651 (VCV002073651.4), dbSNP rs746414569, ClinGen allele CA10067472.
Genomic context (GRCh38, chr21:45,504,479, plus strand): 5'-GAGAAGGGAGACCGAGGTGATGCAGGACAGAAAGGCGAAAGGGGGGAGCCCGGGGGCGGC[G>A]GTTTCTTCGGCTCCAGCCTGCCCGGCCCCCCCGGCCCCCCAGGCCCCCCAGGCCCACGTG-3'
Protein context (NP_001366429.1, residues 921-941): KGERGEPGGG[Gly931Ser]FFGSSLPGPP